The following is an entry in ClinVar:

ClinVar aggregate classification (germline): Uncertain significance (1 of 4 stars; one submission).

Conditions:
Hereditary cancer-predisposing syndrome. Also called: Hereditary Cancer Syndrome; Hereditary neoplastic syndrome; Neoplastic Syndromes, Hereditary; Tumor predisposition. Identifiers: Orphanet 140162, MedGen C0027672, MeSH D009386, MONDO:0015356.

Submission:

Ambry Genetics
Classification: Uncertain significance for Hereditary cancer-predisposing syndrome. Last evaluated: 2025-07-14. Review status: criteria provided, single submitter. Criteria: Ambry Variant Classification Scheme 2023. Collection method: clinical testing. Allele origin: germline.
Comment: The p.P1389R variant (also known as c.4166C>G), located in coding exon 33 of the POLE gene, results from a C to G substitution at nucleotide position 4166. The proline at codon 1389 is replaced by arginine, an amino acid with dissimilar properties. This amino acid position is conserved. In addition, this alteration is predicted to be deleterious by in silico analysis. Since supporting evidence is limited at this time, the clinical significance of this alteration remains unclear.

NM_006231.4(POLE):c.4166C>G (p.Pro1389Arg)

Gene: POLE (DNA polymerase epsilon, catalytic subunit; minus strand). Cytogenetic location: 12q24.33.
Variant type: single nucleotide variant.
Coding change: c.4166C>G on transcript NM_006231.4 (MANE Select); coding-DNA position 4166, C replaced by G.
Protein change: p.Pro1389Arg; replaces proline 1389 with arginine.
Molecular consequence: missense variant.
Genome position (GRCh38, 1-based): chr12:132,643,961, G>C on the plus strand (C>G on the coding strand, the complement: POLE is on the minus strand). VCF-style: chr12-132643961-G-C. GRCh37 (hg19) VCF-style: chr12-133220547-G-C.
Other names: short protein forms P1389R.
Identifiers: ClinVar variation 1738373 (VCV001738373.3), dbSNP rs2138562062, ClinGen allele CA387382480.
Genomic context (GRCh38, chr12:132,643,961, plus strand): 5'-TCCTGGTACATGTCCTCTGGCACTGAATACTCATAGAGATTGTAGACCATGTTGGAGCGA[G>C]GAAGGACCCGATTTACCTGGCGAGAATACGACGATGATCTCGTCACTGGGCGTAAGTGGT-3'
Protein context (NP_006222.2, residues 1379-1399): ASYRKVNRVL[Pro1389Arg]RSNMVYNLYE